The following is an entry in ClinVar:

ClinVar aggregate classification (germline): Conflicting classifications of pathogenicity. Review status: criteria provided, conflicting classifications (1 of 4 stars). 5 submissions from 5 submitters: Uncertain significance (1); Likely benign (3). 1 of the submissions does not count toward it. Last evaluated 2024-01-17.

Conditions:
Familial thoracic aortic aneurysm and aortic dissection (TAAD). Also called: Thoracic aortic aneurysms and dissections. Identifiers: Orphanet 91387, MedGen C4707243, MONDO:0019625.
SMAD3-related disorder. Also called: SMAD3-related condition.

Allele frequency attached by ClinVar (database versions not stated): gnomAD exomes below 0.00001 and 0.00002; ExAC 0.00001; gnomAD 0.00011 and 0.00013; TOPMed 0.00012; ESP Exome Variant Server 0.00015.
gnomAD v4.1: 23 of 1,614,022 alleles (0.0014%); highest among the groups gnomAD compares: African/African-American, 0.025%; no homozygotes.

Submissions (5):

Labcorp Genetics (formerly Invitae), Labcorp
Classification: Likely benign for Familial thoracic aortic aneurysm and aortic dissection. Last evaluated: 2024-01-17. Review status: criteria provided, single submitter. Criteria: Invitae Variant Classification Sherloc (09022015). Collection method: clinical testing. Allele origin: germline.

Ambry Genetics
Classification: Likely benign for Familial thoracic aortic aneurysm and aortic dissection. Last evaluated: 2022-04-04. Review status: criteria provided, single submitter. Criteria: Ambry Variant Classification Scheme 2023. Collection method: clinical testing. Allele origin: germline.

Color Diagnostics, LLC DBA Color Health
Classification: Likely benign for Familial thoracic aortic aneurysm and aortic dissection. Last evaluated: 2019-06-10. Review status: criteria provided, single submitter. Criteria: ACMG Guidelines, 2015. Collection method: clinical testing. Allele origin: germline.

Laboratorio de Genetica e Diagnostico Molecular, Hospital Israelita Albert Einstein
Classification: Uncertain significance. Last evaluated: 2019-05-24. Review status: criteria provided, single submitter. Criteria: ACMG Guidelines, 2015. Collection method: clinical testing. Allele origin: germline. Affected: yes.
Comment: ACMG classification criteria: PM1, PM2

PreventionGenetics, part of Exact Sciences
Classification: Likely benign for SMAD3-related condition. Last evaluated: 2024-01-23. Review status: no assertion criteria provided. Collection method: clinical testing. Allele origin: germline. Not counted in ClinVar's aggregate classification.
Comment: This variant is classified as likely benign based on ACMG/AMP sequence variant interpretation guidelines (Richards et al. 2015 PMID: 25741868, with internal and published modifications).

NM_005902.4(SMAD3):c.777C>T (p.Gly259=)

Gene: SMAD3 (SMAD family member 3; plus strand). Cytogenetic location: 15q22.33.
Variant type: single nucleotide variant.
Coding change: c.777C>T on transcript NM_005902.4 (MANE Select); coding-DNA position 777, C replaced by T.
Protein change: p.Gly259=; no amino-acid change (glycine 259 retained).
Molecular consequence: synonymous variant.
Genome position (GRCh38, 1-based): chr15:67,181,359, C>T. VCF-style: chr15-67181359-C-T. GRCh37 (hg19) VCF-style: chr15-67473697-C-T.
Other names: c.462C>T, p.Gly154= (NM_001145102.2); c.645C>T, p.Gly215= (NM_001145103.2); c.192C>T, p.Gly64= (NM_001145104.2).
Identifiers: ClinVar variation 702954 (VCV000702954.16), dbSNP rs145414319, ClinGen allele CA062662.
Genomic context (GRCh38, chr15:67,181,359, plus strand): 5'-GCTGAACCAGCGCGTCGGGGAGACATTCCACGCCTCGCAGCCATCCATGACTGTGGATGG[C>T]TTCACCGACCCCTCCAATTCGGAGCGCTTCTGCCTAGGGCTGCTCTCCAATGTCAACAGG-3'
Protein context (NP_005893.1, residues 249-269): HASQPSMTVD[Gly259=]FTDPSNSERF